The following is an entry in ClinVar:

ClinVar aggregate classification (germline): Uncertain significance (0 of 4 stars; one submission).

Conditions:
Malignant tumor of breast. Also called: Malignant breast neoplasm; Cancer breast. Identifiers: MedGen C0006142, MONDO:0007254. Disease mechanism: loss of function.

Submission:

Department of Pathology and Laboratory Medicine, Sinai Health System
Classification: Uncertain significance for Malignant tumor of breast. Review status: no assertion criteria provided. Collection method: clinical testing. Allele origin: unknown. Affected: yes. Observed: 1 variant allele. Study: The Canadian Open Genetics Repository (COGR).
Comment: The ATM p.Ser794Cys variant was not identified in the literature nor was it identified in the following databases: dbSNP, ClinVar, COGR, Cosmic, MutDB, LOVD 3.0, ATM-LOVD, the 1000 Genomes Project, the NHLBI GO Exome Sequencing Project, the Exome Aggregation Consortium (August 8th 2016), or the Genome Aggregation Database (Feb 27, 2017). Although the p.Ser794 residue is not conserved in mammals and other organisms, computational analyses (PolyPhen-2, SIFT, AlignGVGD, BLOSUM, MutationTaster) suggest that the variant may impact the protein. The variant occurs outside of the splicing consensus sequence and 2 of 5 in silico or computational prediction software programs (SpliceSiteFinder, MaxEntScan, NNSPLICE, GeneSplicer, HumanSpliceFinder) predict a greater than 10% difference in splicing; this is not very predictive of pathogenicity. In summary, based on the above information, the clinical significance of this variant cannot be determined with certainty at this time. This variant is classified as a variant of uncertain significance.

NM_000051.4(ATM):c.2380A>T (p.Ser794Cys)

Gene: ATM (ATM serine/threonine kinase; plus strand). Cytogenetic location: 11q22.3.
Variant type: single nucleotide variant.
Coding change: c.2380A>T on transcript NM_000051.4 (MANE Select); coding-DNA position 2380, A replaced by T.
Protein change: p.Ser794Cys; replaces serine 794 with cysteine.
Molecular consequence: missense variant.
Genome position (GRCh38, 1-based): chr11:108,258,989, A>T. VCF-style: chr11-108258989-A-T. GRCh37 (hg19) VCF-style: chr11-108129716-A-T.
Other names: c.2380A>T, p.Ser794Cys (NM_001351834.2); short protein forms S794C.
Identifiers: ClinVar variation 1049112 (VCV001049112.2), dbSNP rs876658149, ClinGen allele CA382541017.